The following is an entry in ClinVar:

NM_000465.4(BARD1):c.2017G>T (p.Asp673Tyr)

Gene: BARD1 (BRCA1 associated RING domain 1; minus strand). Cytogenetic location: 2q35.
Variant type: single nucleotide variant.
Coding change: c.2017G>T on transcript NM_000465.4 (MANE Select); coding-DNA position 2017, G replaced by T.
Protein change: p.Asp673Tyr; replaces aspartic acid 673 with tyrosine.
Molecular consequence: missense variant. On other transcripts: non-coding transcript variant (3).
Genome position (GRCh38, 1-based): chr2:214,728,993, C>A on the plus strand (G>T on the coding strand, the complement: BARD1 is on the minus strand). VCF-style: chr2-214728993-C-A. GRCh37 (hg19) VCF-style: chr2-215593717-C-A.
Other names: c.1960G>T, p.Asp654Tyr (NM_001282543.2); c.664G>T, p.Asp222Tyr (NM_001282545.2); c.607G>T, p.Asp203Tyr (NM_001282548.2); c.478G>T, p.Asp160Tyr (NM_001282549.2); short protein forms D673Y, D203Y, D654Y, D160Y, D222Y.
Identifiers: ClinVar variation 482778 (VCV000482778.16), dbSNP rs1553612232, ClinGen allele CA350450798.

ClinVar aggregate classification (germline): Uncertain significance. Review status: criteria provided, multiple submitters, no conflicts (2 of 4 stars). 3 submissions from 3 submitters: Uncertain significance (3). Last evaluated 2025-07-21.

Conditions:
Familial cancer of breast. Also called: BREAST CANCER, FAMILIAL; Hereditary breast cancer; hereditary breast carcinoma. Identifiers: Orphanet 227535, MedGen C0346153, MONDO:0016419, OMIM 114480. Disease mechanism: loss of function.
Hereditary cancer-predisposing syndrome. Also called: Neoplastic Syndromes, Hereditary; Tumor predisposition; Hereditary Cancer Syndrome; Hereditary neoplastic syndrome. Identifiers: Orphanet 140162, MedGen C0027672, MeSH D009386, MONDO:0015356.

Submissions (3):

Labcorp Genetics (formerly Invitae), Labcorp
Classification: Uncertain significance for Familial cancer of breast. Last evaluated: 2025-07-21. Review status: criteria provided, single submitter. Criteria: Invitae Variant Classification Sherloc (09022015). Collection method: clinical testing. Allele origin: germline.
Comment: This sequence change replaces aspartic acid, which is acidic and polar, with tyrosine, which is neutral and polar, at codon 673 of the BARD1 protein (p.Asp673Tyr). This variant is not present in population databases (gnomAD no frequency). This variant has not been reported in the literature in individuals affected with BARD1-related conditions. ClinVar contains an entry for this variant (Variation ID: 482778). An algorithm developed to predict the effect of missense changes on protein structure and function (PolyPhen-2) suggests that this variant is likely to be disruptive. In summary, the available evidence is currently insufficient to determine the role of this variant in disease. Therefore, it has been classified as a Variant of Uncertain Significance.

Ambry Genetics
Classification: Uncertain significance for Hereditary cancer-predisposing syndrome. Last evaluated: 2025-03-10. Review status: criteria provided, single submitter. Criteria: Ambry Variant Classification Scheme 2023. Collection method: clinical testing. Allele origin: germline.
Comment: The p.D673Y variant (also known as c.2017G>T), located in coding exon 11 of the BARD1 gene, results from a G to T substitution at nucleotide position 2017. The aspartic acid at codon 673 is replaced by tyrosine, an amino acid with highly dissimilar properties. This amino acid position is highly conserved in available vertebrate species. In addition, the in silico prediction for this alteration is inconclusive. Based on the available evidence, the clinical significance of this variant remains unclear.

Color Diagnostics, LLC DBA Color Health
Classification: Uncertain significance for Hereditary cancer-predisposing syndrome. Last evaluated: 2024-03-06. Review status: criteria provided, single submitter. Criteria: ACMG Guidelines, 2015. Collection method: clinical testing. Allele origin: germline.
Comment: This missense variant replaces aspartic acid with tyrosine at codon 673 of the BARD1 protein. Computational prediction suggests that this variant may not impact protein structure and function (internally defined REVEL score threshold <= 0.5, PMID: 27666373). To our knowledge, functional studies have not been reported for this variant. This variant has not been reported in individuals affected with hereditary cancer in the literature. This variant has not been identified in the general population by the Genome Aggregation Database (gnomAD). The available evidence is insufficient to determine the role of this variant in disease conclusively. Therefore, this variant is classified as a Variant of Uncertain Significance.